The following is an entry in ClinVar:

ClinVar aggregate classification (germline): Benign/Likely benign. Review status: criteria provided, multiple submitters, no conflicts (2 of 4 stars). 5 submissions from 5 submitters: Benign (3); Likely benign (1). 1 of the submissions does not count toward it. Last evaluated 2026-01-28.

Conditions:
Leber congenital amaurosis 13 (LCA13). Identifiers: MedGen C2675186, MONDO:0012990, OMIM 612712.
Leber congenital amaurosis (LCA). Also called: Leber's amaurosis. Identifiers: Orphanet 65, MedGen C0339527, MeSH D057130, MONDO:0018998.
Retinitis pigmentosa (RP). Identifiers: Orphanet 791, MedGen C0035334, MeSH D012174, MONDO:0019200, OMIM 268000. Inheritance: Autosomal dominant, autosomal recessive and X linked inheritance.
Retinal dystrophy. Also called: Inherited retinal dystrophy. Identifiers: Orphanet 71862, MedGen C0854723, MeSH D058499, MONDO:0019118, HP:0000556.

Allele frequency attached by ClinVar (database versions not stated): ESP Exome Variant Server 0.00008; gnomAD 0.00041 and 0.00061; TOPMed 0.00061; gnomAD exomes 0.00080 and 0.00128; ExAC 0.00119; 1000 Genomes Project 30x 0.00172; 1000 Genomes Project 0.00200.
gnomAD v4.1: 1,247 of 1,614,184 alleles (0.077%); highest among the groups gnomAD compares: East Asian, 2.5%; 14 homozygotes.

Submissions (5):

Labcorp Genetics (formerly Invitae), Labcorp
Classification: Benign for Leber congenital amaurosis 13. Last evaluated: 2026-01-28. Review status: criteria provided, single submitter. Criteria: Invitae Variant Classification Sherloc (09022015). Collection method: clinical testing. Allele origin: germline.

Blueprint Genetics
Classification: Likely benign. Last evaluated: 2024-11-08. Review status: criteria provided, single submitter. Criteria: ACMG Guidelines, 2015. Collection method: clinical testing. Allele origin: germline.

Dept Of Ophthalmology, Nagoya University
Classification: Benign for Retinal dystrophy. Last evaluated: 2023-10-01. Review status: criteria provided, single submitter. Criteria: Submitter's publication. Collection method: research. Allele origin: germline. Affected: yes.

Illumina Laboratory Services, Illumina
Classification: Benign for Retinitis pigmentosa. Last evaluated: 2018-01-12. Review status: criteria provided, single submitter. Criteria: ICSL Variant Classification Criteria 13 December 2019. Collection method: clinical testing. Allele origin: germline.
Comment: This variant was observed in the ICSL laboratory as part of a predisposition screen in an ostensibly healthy population. It had not been previously curated by ICSL or reported in the Human Gene Mutation Database (HGMD: prior to June 1st, 2018), and was therefore a candidate for classification through an automated scoring system. Utilizing variant allele frequency, disease prevalence and penetrance estimates, and inheritance mode, an automated score was calculated to assess if this variant is too frequent to cause the disease. Based on the score and internal cut-off values, a variant classified as benign is not then subjected to further curation. The score for this variant resulted in a classification of benign for this disease.

Natera, Inc.
Classification: Benign for Leber congenital amaurosis. Last evaluated: 2020-04-17. Review status: no assertion criteria provided. Collection method: clinical testing. Allele origin: germline. Not counted in ClinVar's aggregate classification.

NM_152443.3(RDH12):c.570C>T (p.Ser190=)

Genes: GPHN (gephyrin; plus strand), RDH12 (retinol dehydrogenase 12; plus strand). Cytogenetic location: 14q24.1.
Variant type: single nucleotide variant.
Coding change: c.570C>T on transcript NM_152443.3 (MANE Select); coding-DNA position 570, C replaced by T.
Protein change: p.Ser190=; no amino-acid change (serine 190 retained).
Molecular consequence: synonymous variant.
Genome position (GRCh38, 1-based): chr14:67,727,102, C>T. VCF-style: chr14-67727102-C-T. GRCh37 (hg19) VCF-style: chr14-68193819-C-T.
Identifiers: ClinVar variation 313839 (VCV000313839.19), dbSNP rs79869437, ClinGen allele CA7238750.